The following is an entry in ClinVar:

ClinVar aggregate classification (germline): Uncertain significance (1 of 4 stars; one submission).

Submission:

GeneDx
Classification: Uncertain significance. Last evaluated: 2023-10-17. Review status: criteria provided, single submitter. Criteria: GeneDx Variant Classification Process June 2021. Collection method: clinical testing. Allele origin: germline. Affected: yes.
Comment: Not observed at significant frequency in large population cohorts (gnomAD); In silico analysis supports that this missense variant has a deleterious effect on protein structure/function; Has not been previously published as pathogenic or benign to our knowledge

NM_001199107.2(TBC1D24):c.565A>C (p.Lys189Gln)

Gene: TBC1D24 (TBC1 domain family member 24; plus strand). Cytogenetic location: 16p13.3.
Variant type: single nucleotide variant.
Coding change: c.565A>C on transcript NM_001199107.2 (MANE Select); coding-DNA position 565, A replaced by C.
Protein change: p.Lys189Gln; replaces lysine 189 with glutamine.
Molecular consequence: missense variant.
Genome position (GRCh38, 1-based): chr16:2,496,713, A>C. VCF-style: chr16-2496713-A-C. GRCh37 (hg19) VCF-style: chr16-2546714-A-C.
Other names: c.565A>C, p.Lys189Gln (NM_020705.3); short protein forms K189Q.
Identifiers: ClinVar variation 3366125 (VCV003366125.1).